The following is an entry in ClinVar:

NM_000067.3(CA2):c.619A>G (p.Thr207Ala)

Gene: CA2 (carbonic anhydrase 2; plus strand). Cytogenetic location: 8q21.2.
Variant type: single nucleotide variant.
Coding change: c.619A>G on transcript NM_000067.3 (MANE Select); coding-DNA position 619, A replaced by G.
Protein change: p.Thr207Ala; replaces threonine 207 with alanine.
Molecular consequence: missense variant.
Genome position (GRCh38, 1-based): chr8:85,477,231, A>G. VCF-style: chr8-85477231-A-G. GRCh37 (hg19) VCF-style: chr8-86389460-A-G.
Other names: c.316A>G, p.Thr106Ala (NM_001293675.2); short protein forms T106A, T207A.
Identifiers: ClinVar variation 1944141 (VCV001944141.5), dbSNP rs1811814824, ClinGen allele CA371430726.

ClinVar aggregate classification (germline): Uncertain significance (1 of 4 stars; one submission).

Allele frequency attached by ClinVar (database versions not stated): TOPMed 0.00001.

Submission:

Labcorp Genetics (formerly Invitae), Labcorp
Classification: Uncertain significance. Last evaluated: 2024-02-26. Review status: criteria provided, single submitter. Criteria: Invitae Variant Classification Sherloc (09022015). Collection method: clinical testing. Allele origin: germline.
Comment: This sequence change replaces threonine, which is neutral and polar, with alanine, which is neutral and non-polar, at codon 207 of the CA2 protein (p.Thr207Ala). This variant is not present in population databases (gnomAD no frequency). This variant has not been reported in the literature in individuals affected with CA2-related conditions. ClinVar contains an entry for this variant (Variation ID: 1944141). Advanced modeling of protein sequence and biophysical properties (such as structural, functional, and spatial information, amino acid conservation, physicochemical variation, residue mobility, and thermodynamic stability) performed at Invitae indicates that this missense variant is not expected to disrupt CA2 protein function with a negative predictive value of 80%. In summary, the available evidence is currently insufficient to determine the role of this variant in disease. Therefore, it has been classified as a Variant of Uncertain Significance.